The following is an entry in ClinVar:

ClinVar aggregate classification (germline): Conflicting classifications of pathogenicity. Review status: criteria provided, conflicting classifications (1 of 4 stars). 10 submissions from 10 submitters: Uncertain significance (5); Likely benign (3). 2 of the submissions do not count toward it. Last evaluated 2026-01-26.

Conditions:
Abnormal brain morphology. Also called: Abnormality of brain morphology. Identifiers: MedGen C4021085, HP:0012443.
Fraser syndrome 3. Identifiers: MedGen C4540040, MONDO:0054739, OMIM 617667.

Allele frequency attached by ClinVar (database versions not stated): 1000 Genomes Project 30x 0.00031; 1000 Genomes Project 0.00040; ESP Exome Variant Server 0.00075; gnomAD 0.00087 and 0.00088; gnomAD exomes 0.00092 and 0.00126; TOPMed 0.00112; ExAC 0.00123.
gnomAD v4.1: 1,540 of 1,613,946 alleles (0.095%); highest among the groups gnomAD compares: Middle Eastern, 1.7%; 5 homozygotes.

Submissions (10):

Labcorp Genetics (formerly Invitae), Labcorp
Classification: Likely benign. Last evaluated: 2026-01-26. Review status: criteria provided, single submitter. Criteria: Invitae Variant Classification Sherloc (09022015). Collection method: clinical testing. Allele origin: germline.

CeGaT Center for Human Genetics Tuebingen
Classification: Likely benign. Last evaluated: 2026-01-01. Review status: criteria provided, single submitter. Criteria: CeGaT Center For Human Genetics Tuebingen Variant Classification Criteria Version 2. Collection method: clinical testing. Allele origin: germline. Affected: yes. Observed: 1 variant allele.
Comment: GRIP1: BS2

Department of Pathology and Laboratory Medicine, Sinai Health System
Classification: Uncertain significance for Fraser syndrome 3. Last evaluated: 2023-08-17. Review status: criteria provided, single submitter. Criteria: ACMG Guidelines, 2015. Collection method: research. Allele origin: germline.

Women's Health and Genetics/Laboratory Corporation of America, LabCorp
Classification: Uncertain significance. Last evaluated: 2022-04-14. Review status: criteria provided, single submitter. Criteria: LabCorp Variant Classification Summary - May 2015. Collection method: clinical testing. Allele origin: germline.
Comment: Variant summary: GRIP1 c.160G>A (p.Val54Ile) results in a conservative amino acid change located in the PDZ domain (IPR001478) of the encoded protein sequence. Three of five in-silico tools predict a damaging effect of the variant on protein function. The variant allele was found at a frequency of 0.0013 in 249328 control chromosomes (gnomAD). This frequency is not significantly higher than expected for a pathogenic variant in GRIP1 causing Cryptophthalmos Syndrome (0.0013 vs 0.0013), allowing no conclusion about variant significance. c.160G>A has been reported in the literature in one compound heterozygous individual affected with agenesis of the corpus callosum and subependymal heterotopia (Karaca_2015). These data do not allow any conclusion about variant significance with Cryptophthalmos Syndrome. To our knowledge, no experimental evidence demonstrating an impact on protein function has been reported. Five ClinVar submitters have assessed the variant since 2014: three classify the variant as of uncertain significance, one as likely benign, and one as likely pathogenic. Based on the evidence outlined above, the variant was classified as uncertain significance.

New York Genome Center
Classification: Uncertain significance for Fraser syndrome 3. Last evaluated: 2022-02-27. Review status: criteria provided, single submitter. Criteria: NYGC Assertion Criteria 2020. Collection method: clinical testing. Allele origin: germline. Observed: 1 heterozygote. Study: CSER-NYCKidSeq.

Daryl Scott Lab, Baylor College of Medicine
Classification: Uncertain significance for Fraser syndrome 3. Last evaluated: 2022-02-01. Review status: criteria provided, single submitter. Criteria: ACMG Guidelines, 2015. Collection method: clinical testing. Allele origin: biparental. Observed: 1 variant allele, 1 homozygote.

Illumina Laboratory Services, Illumina
Classification: Uncertain significance for Fraser syndrome 3. Last evaluated: 2018-03-08. Review status: criteria provided, single submitter. Criteria: ICSL Variant Classification Criteria 13 December 2019. Collection method: clinical testing. Allele origin: germline.
Comment: This variant was observed as part of a predisposition screen in an ostensibly healthy population. A literature search was performed for the gene, cDNA change, and amino acid change (where applicable). Publications were found based on this search. However, the evidence from the literature, in combination with allele frequency data from public databases where available, was not sufficient to rule this variant in or out of causing disease. Therefore, this variant is classified as a variant of unknown significance.

Baylor Genetics
Classification: Likely benign for Fraser syndrome 3. Review status: criteria provided, single submitter. Criteria: ACMG Guidelines, 2015. Collection method: clinical testing. Allele origin: unknown.

Reproductive Health Research and Development, BGI Genomics
Classification: Uncertain significance for Abnormality of brain morphology. Last evaluated: 2020-01-06. Review status: no assertion criteria provided. Collection method: curation. Allele origin: germline. Not counted in ClinVar's aggregate classification.
Comment: NM_021150.3:c.160G>A in the GRIP1 gene has an allele frequency of 0.006 in Ashkenazi Jewish subpopulation in the gnomAD database. Karaca et al. identified c.160G>A compound with c.1142G>T (phase unknown) in a neurologic patient. Two variants are novel with high frequency in Turkish Exomes (PMID: 26539891). We interpret it as a variant of uncertain significance. ACMG/AMP criteria applied: Null.

Lupski Lab, Baylor-Hopkins CMG, Baylor College of Medicine
Classification: Likely pathogenic for Abnormal brain morphology. Review status: flagged submission. Criteria: Karaca et al. (Neuron 2015). Collection method: research. Allele origin: inherited. Inheritance: Autosomal recessive inheritance. Affected: yes. Not counted in ClinVar's aggregate classification.
ClinVar note: Reason: Outlier claim with insufficient supporting evidence

Literature cited by the submitters: PubMed 26539891 (cited by Women's Health and Genetics/Laboratory Corporation of America, LabCorp); PubMed 36474027 (cited by Daryl Scott Lab, Baylor College of Medicine); PubMed 21383172 (cited by Illumina Laboratory Services, Illumina).

NM_001366722.1(GRIP1):c.160G>A (p.Val54Ile)

Gene: GRIP1 (glutamate receptor interacting protein 1; minus strand). Cytogenetic location: 12q14.3.
Variant type: single nucleotide variant.
Coding change: c.160G>A on transcript NM_001366722.1 (MANE Select); coding-DNA position 160, G replaced by A.
Protein change: p.Val54Ile; replaces valine 54 with isoleucine.
Molecular consequence: missense variant.
Genome position (GRCh38, 1-based): chr12:66,541,927, C>T on the plus strand (G>A on the coding strand, the complement: GRIP1 is on the minus strand). VCF-style: chr12-66541927-C-T. GRCh37 (hg19) VCF-style: chr12-66935707-C-T.
Other names: c.160G>A, p.Val54Ile (NM_001178074.2, NM_021150.4); c.238G>A, p.Val80Ile (NM_001366723.1, NM_001366724.1); short protein forms V54I, V80I.
Identifiers: ClinVar variation 402210 (VCV000402210.26), dbSNP rs199768740, ClinGen allele CA6674728.